The following is an entry in ClinVar:

ClinVar aggregate classification (germline): Pathogenic. Review status: criteria provided, multiple submitters, no conflicts (2 of 4 stars). 2 submissions from 2 submitters: Pathogenic (2). Last evaluated 2022-08-16.

Conditions:
Duchenne muscular dystrophy (DMD). Also called: MUSCULAR DYSTROPHY, PSEUDOHYPERTROPHIC PROGRESSIVE, DUCHENNE TYPE; Duchenne Muscular Dystrophy (DMD). Identifiers: Orphanet 98896, MedGen C0013264, MONDO:0010679, OMIM 310200.

Submissions (2):

Revvity Omics, Revvity
Classification: Pathogenic. Last evaluated: 2022-08-16. Review status: criteria provided, single submitter. Criteria: ACMG Guidelines, 2015. Collection method: clinical testing. Allele origin: germline.

Labcorp Genetics (formerly Invitae), Labcorp
Classification: Pathogenic for Duchenne muscular dystrophy. Last evaluated: 2016-10-31. Review status: criteria provided, single submitter. Criteria: Invitae Variant Classification Sherloc (09022015). Collection method: clinical testing. Allele origin: germline.
Comment: For these reasons, this variant has been classified as Pathogenic. Loss-of-function variants in DMD are known to be pathogenic. This particular variant has been reported in the literature in affected individuals with Duchenne muscular dystrophy (PMID: 8840114, 9544849). This sequence change creates a premature translational stop signal at codon 2972 (p.Gln2972*) of the DMD gene. It is expected to result in an absent or disrupted protein product.

Literature cited by the submitters: PubMed 8840114 (cited by Labcorp Genetics (formerly Invitae), Labcorp); PubMed 9544849 (cited by Labcorp Genetics (formerly Invitae), Labcorp).

NM_004006.3(DMD):c.8914C>T (p.Gln2972Ter)

Gene: DMD (dystrophin; minus strand). Cytogenetic location: Xp21.2.
Variant type: single nucleotide variant.
Coding change: c.8914C>T on transcript NM_004006.3 (MANE Select); coding-DNA position 8914, C replaced by T.
Protein change: p.Gln2972Ter; replaces glutamine 2972 with a stop codon.
Molecular consequence: nonsense.
Genome position (GRCh38, 1-based): chrX:31,478,129, G>A on the plus strand (C>T on the coding strand, the complement: DMD is on the minus strand). VCF-style: chrX-31478129-G-A. GRCh37 (hg19) VCF-style: chrX-31496246-G-A.
Other names: c.8890C>T, p.Gln2964Ter (NM_000109.4); c.8902C>T, p.Gln2968Ter (NM_004009.3); c.8545C>T, p.Gln2849Ter (NM_004010.3); c.4891C>T, p.Gln1631Ter (NM_004011.4); c.4882C>T, p.Gln1628Ter (NM_004012.4); c.1534C>T, p.Gln512Ter (NM_004013.3, NM_004020.4, NM_004021.3 and 2 more transcripts); c.727C>T, p.Gln243Ter (NM_004014.3); short protein forms Q2972*, Q2968*, Q1631*, Q2964*, Q1628*, Q243*, Q2849*, Q512*.
Identifiers: ClinVar variation 409903 (VCV000409903.12), dbSNP rs1060502633, ClinGen allele CA16616658.